The following is an entry in ClinVar:

NM_000081.4(LYST):c.2168A>G (p.Asn723Ser)

Gene: LYST (lysosomal trafficking regulator; minus strand). Cytogenetic location: 1q42.3.
Variant type: single nucleotide variant.
Coding change: c.2168A>G on transcript NM_000081.4 (MANE Select); coding-DNA position 2168, A replaced by G.
Protein change: p.Asn723Ser; replaces asparagine 723 with serine.
Molecular consequence: missense variant.
Genome position (GRCh38, 1-based): chr1:235,808,650, T>C on the plus strand (A>G on the coding strand, the complement: LYST is on the minus strand). VCF-style: chr1-235808650-T-C. GRCh37 (hg19) VCF-style: chr1-235971950-T-C.
Other names: c.2168A>G, p.Asn723Ser (NM_001301365.1); short protein forms N723S.
Identifiers: ClinVar variation 876915 (VCV000876915.7), dbSNP rs1452044579, ClinGen allele CA344958935.

ClinVar aggregate classification (germline): Uncertain significance. Review status: criteria provided, multiple submitters, no conflicts (2 of 4 stars). 2 submissions from 2 submitters: Uncertain significance (2). Last evaluated 2023-11-25.

Conditions:
Chédiak-Higashi syndrome (CHS). Also called: Chediak-Higashi Syndrome. Identifiers: Orphanet 167, MedGen C0007965, MONDO:0008963, OMIM 214500.

Allele frequency attached by ClinVar (database versions not stated): gnomAD 0.00001; TOPMed 0.00001.
gnomAD v4.1: 54 of 1,613,256 alleles (0.0033%); highest among the groups gnomAD compares: East Asian, 0.016%; no homozygotes.

Submissions (2):

Labcorp Genetics (formerly Invitae), Labcorp
Classification: Uncertain significance for Chédiak-Higashi syndrome. Last evaluated: 2023-11-25. Review status: criteria provided, single submitter. Criteria: Invitae Variant Classification Sherloc (09022015). Collection method: clinical testing. Allele origin: germline.
Comment: This sequence change replaces asparagine, which is neutral and polar, with serine, which is neutral and polar, at codon 723 of the LYST protein (p.Asn723Ser). This variant is present in population databases (no rsID available, gnomAD 0.002%). This variant has not been reported in the literature in individuals affected with LYST-related conditions. ClinVar contains an entry for this variant (Variation ID: 876915). Advanced modeling of protein sequence and biophysical properties (such as structural, functional, and spatial information, amino acid conservation, physicochemical variation, residue mobility, and thermodynamic stability) has been performed at Invitae for this missense variant, however the output from this modeling did not meet the statistical confidence thresholds required to predict the impact of this variant on LYST protein function. In summary, the available evidence is currently insufficient to determine the role of this variant in disease. Therefore, it has been classified as a Variant of Uncertain Significance.

Illumina Laboratory Services, Illumina
Classification: Uncertain significance for Chédiak-Higashi syndrome. Last evaluated: 2018-01-12. Review status: criteria provided, single submitter. Criteria: ICSL Variant Classification Criteria 13 December 2019. Collection method: clinical testing. Allele origin: germline.